The following is an entry in ClinVar:

ClinVar aggregate classification (germline): Uncertain significance. Review status: criteria provided, multiple submitters, no conflicts (2 of 4 stars). 2 submissions from 2 submitters: Uncertain significance (2). Last evaluated 2023-02-09.

Conditions:
Combined immunodeficiency due to DOCK8 deficiency (HIES2). Also called: HIES autosomal recessive; HYPER-IgE RECURRENT INFECTION SYNDROME 2, AUTOSOMAL RECESSIVE; HYPER-IgE SYNDROME 2, AUTOSOMAL RECESSIVE, WITH RECURRENT INFECTIONS; Hyper-IgE recurrent infection syndrome, autosomal recessive; DOCK8 Deficiency. Identifiers: Orphanet 217390, MedGen C4722305, MONDO:0009478, OMIM 243700.

Submissions (2):

Department of Pathology and Laboratory Medicine, Sinai Health System
Classification: Uncertain significance for Combined immunodeficiency due to DOCK8 deficiency. Last evaluated: 2023-02-09. Review status: criteria provided, single submitter. Criteria: ACMG Guidelines, 2015. Collection method: research. Allele origin: germline.

Labcorp Genetics (formerly Invitae), Labcorp
Classification: Uncertain significance for Combined immunodeficiency due to DOCK8 deficiency. Last evaluated: 2021-06-19. Review status: criteria provided, single submitter. Criteria: Invitae Variant Classification Sherloc (09022015). Collection method: clinical testing. Allele origin: germline.
Comment: In summary, the available evidence is currently insufficient to determine the role of this variant in disease. Therefore, it has been classified as a Variant of Uncertain Significance. Nucleotide substitutions within the consensus splice site are a relatively common cause of aberrant splicing (PMID: 17576681, 9536098). Algorithms developed to predict the effect of sequence changes on RNA splicing suggest that this variant may disrupt the consensus splice site, but this prediction has not been confirmed by published transcriptional studies. This variant has not been reported in the literature in individuals with DOCK8-related conditions. This variant is present in population databases (rs759319822, ExAC 0.04%). This sequence change falls in intron 3 of the DOCK8 gene. It does not directly change the encoded amino acid sequence of the DOCK8 protein. It affects a nucleotide within the consensus splice site of the intron.

Literature cited by the submitters: PubMed 17576681 (cited by Labcorp Genetics (formerly Invitae), Labcorp); PubMed 9536098 (cited by Labcorp Genetics (formerly Invitae), Labcorp).

NM_203447.4(DOCK8):c.332+4_332+7del

Genes: DOCK8 (dedicator of cytokinesis 8; plus strand), LOC126860552 (BRD4-independent group 4 enhancer GRCh37_chr9:285795-286994; plus strand). Cytogenetic location: 9p24.3.
Variant type: Deletion.
Coding change: c.332+4_332+7del on transcript NM_203447.4 (MANE Select); bases 4 to 7 of the intron after coding-DNA position 332, 4 bases deleted (AATA; older notation c.332+4_332+7delAATA).
Molecular consequence: splice donor variant.
Genome position (GRCh38, 1-based): chr9:286,640-286,643, AATA deleted; deleting any 4 consecutive bases within chr9:286,638-286,643 gives the same sequence; the c. name uses the placement nearest the transcript's 3' end. VCF-style (leftmost placement, unchanged base first): chr9-286637-GTAAA-G. GRCh37 (hg19) VCF-style: chr9-286637-GTAAA-G.
Other names: c.128+4_128+7del (NM_001193536.2, NM_001190458.2).
Identifiers: ClinVar variation 1471069 (VCV001471069.7), dbSNP rs759319822, ClinGen allele CA4957166.
Genomic context (GRCh38, chr9:286,637, plus strand): 5'-GGACGTGGTGTTCACGCCAAAGGAATGTAGGACTTTGCAGCCCTCTTTGCCGGAGGAAGG[GTAAA>G]TAGTTTTCTAAAATGTAGATGTGATTGGGATTGTCATGATTGTTTTCAATAAGTGGGTAG-3'